The following is an entry in ClinVar:

ClinVar aggregate classification (germline): Benign (1 of 4 stars; one submission).

Conditions:
Congenital fibrosis of extraocular muscles type 1. Also called: CFEOM3B; BLEPHAROPTOSIS WITH ABSENT EYE MOVEMENTS; OPHTHALMOPLEGIA, CONGENITAL; FEOM1 LOCUS. Identifiers: MedGen C1851102, MONDO:0021083, OMIM 135700.

Allele frequency attached by ClinVar (database versions not stated): gnomAD 0.00088 and 0.00080; 1000 Genomes Project 0.00100; TOPMed 0.00091; 1000 Genomes Project 30x 0.00109.

Submission:

Illumina Laboratory Services, Illumina
Classification: Benign for Congenital fibrosis of extraocular muscles type 1. Last evaluated: 2018-01-13. Review status: criteria provided, single submitter. Criteria: ICSL Variant Classification Criteria 13 December 2019. Collection method: clinical testing. Allele origin: germline.
Comment: This variant was observed in the ICSL laboratory as part of a predisposition screen in an ostensibly healthy population. It had not been previously curated by ICSL or reported in the Human Gene Mutation Database (HGMD: prior to June 1st, 2018), and was therefore a candidate for classification through an automated scoring system. Utilizing variant allele frequency, disease prevalence and penetrance estimates, and inheritance mode, an automated score was calculated to assess if this variant is too frequent to cause the disease. Based on the score and internal cut-off values, a variant classified as benign is not then subjected to further curation. The score for this variant resulted in a classification of benign for this disease.

NM_017641.3(KIF21A):c.-257C>A

Gene: KIF21A (kinesin family member 21A; minus strand). Cytogenetic location: 12q12.
Variant type: single nucleotide variant.
Coding change: c.-257C>A on transcript NM_017641.3; 257 bases upstream of the start codon, C replaced by A.
Genome position (GRCh38, 1-based): chr12:39,443,227, G>T on the plus strand (C>A on the coding strand, the complement: KIF21A is on the minus strand). VCF-style: chr12-39443227-G-T. GRCh37 (hg19) VCF-style: chr12-39837029-G-T.
Identifiers: ClinVar variation 883496 (VCV000883496.6), dbSNP rs529777052, ClinGen allele CA235858788.